The following is an entry in ClinVar:

ClinVar aggregate classification (germline): Uncertain significance (1 of 4 stars; one submission).

Conditions:
Catecholaminergic polymorphic ventricular tachycardia 1. Also called: VENTRICULAR TACHYCARDIA, CATECHOLAMINERGIC POLYMORPHIC, 1, WITH OR WITHOUT ATRIAL DYSFUNCTION AND/OR DILATED CARDIOMYOPATHY; VENTRICULAR TACHYCARDIA, STRESS-INDUCED POLYMORPHIC 1; RYR2-Related Catecholaminergic Polymorphic Ventricular Tachycardia. Identifiers: Orphanet 3286, MedGen C1631597, MONDO:0011484, OMIM 604772.

Submission:

Labcorp Genetics (formerly Invitae), Labcorp
Classification: Uncertain significance for Catecholaminergic polymorphic ventricular tachycardia 1. Last evaluated: 2022-04-08. Review status: criteria provided, single submitter. Criteria: Invitae Variant Classification Sherloc (09022015). Collection method: clinical testing. Allele origin: germline.
Comment: This sequence change replaces alanine, which is neutral and non-polar, with aspartic acid, which is acidic and polar, at codon 763 of the RYR2 protein (p.Ala763Asp). This variant is not present in population databases (gnomAD no frequency). This variant has not been reported in the literature in individuals affected with RYR2-related conditions. Advanced modeling of protein sequence and biophysical properties (such as structural, functional, and spatial information, amino acid conservation, physicochemical variation, residue mobility, and thermodynamic stability) performed at Invitae indicates that this missense variant is not expected to disrupt RYR2 protein function. In summary, the available evidence is currently insufficient to determine the role of this variant in disease. Therefore, it has been classified as a Variant of Uncertain Significance.

NM_001035.3(RYR2):c.2288C>A (p.Ala763Asp)

Gene: RYR2 (ryanodine receptor 2; plus strand). Cytogenetic location: 1q43.
Variant type: single nucleotide variant.
Coding change: c.2288C>A on transcript NM_001035.3 (MANE Select); coding-DNA position 2288, C replaced by A.
Protein change: p.Ala763Asp; replaces alanine 763 with aspartic acid.
Molecular consequence: missense variant.
Genome position (GRCh38, 1-based): chr1:237,500,795, C>A. VCF-style: chr1-237500795-C-A. GRCh37 (hg19) VCF-style: chr1-237664095-C-A.
Other names: short protein forms A763D.
Identifiers: ClinVar variation 2123140 (VCV002123140.4), dbSNP rs1664552898, ClinGen allele CA345393174.